The following is an entry in ClinVar:

NM_000053.4(ATP7B):c.1979T>A (p.Phe660Tyr)

Gene: ATP7B (ATPase copper transporting beta; minus strand). Cytogenetic location: 13q14.3.
Variant type: single nucleotide variant.
Coding change: c.1979T>A on transcript NM_000053.4 (MANE Select); coding-DNA position 1979, T replaced by A.
Protein change: p.Phe660Tyr; replaces phenylalanine 660 with tyrosine.
Molecular consequence: missense variant. On other transcripts: intron variant (13).
Genome position (GRCh38, 1-based): chr13:51,960,290, A>T on the plus strand (T>A on the coding strand, the complement: ATP7B is on the minus strand). VCF-style: chr13-51960290-A-T. GRCh37 (hg19) VCF-style: chr13-52534426-A-T.
Other names: p.Phe660Tyr; c.1646T>A, p.Phe549Tyr (NM_001243182.2); c.1979T>A, p.Phe660Tyr (NM_001330578.2, NM_001406511.1, NM_001406512.1 and 16 more transcripts); c.1946T>A, p.Phe649Tyr (NM_001406514.1, NM_001406524.1); c.1883T>A, p.Phe628Tyr (NM_001406517.1, NM_001406518.1, NM_001406530.1 and 1 more transcripts); c.1550T>A, p.Phe517Tyr (NM_001406539.1); c.1870-2683T>A (NM_001406541.1, NM_001005918.3, NM_001406546.1 and 1 more transcripts); c.1870-1746T>A (NM_001406531.1, NM_001406532.1, NM_001406540.1 and 1 more transcripts); and 4 more; short protein forms F517Y, F549Y, F628Y, F649Y, F660Y.
Identifiers: ClinVar variation 2683232 (VCV002683232.1), dbSNP rs2547725660, ClinGen allele CA388025905.
Genomic context (GRCh38, chr13:51,960,290, plus strand): 5'-TGGTGGGGCTCGTTGCTGGGTATCAGCATATAGATCATTAAGGCCATGACAGGGATGCCA[A>T]ACACCAGGCTGCACAGGAAAGACTTCTTCCACCTGGAAAGCAAATGCAGCAACACAGATA-3'
Protein context (NP_000044.2, residues 650-670): WKKSFLCSLV[Phe660Tyr]GIPVMALMIY

ClinVar aggregate classification (germline): Uncertain significance (1 of 4 stars; one submission).

Submission:

Mayo Clinic Laboratories, Mayo Clinic
Classification: Uncertain significance. Last evaluated: 2023-06-01. Review status: criteria provided, single submitter. Criteria: ACMG Guidelines, 2015. Collection method: clinical testing. Allele origin: germline. Observed: 1 variant allele.
Comment: PP3, PM2